The following is an entry in ClinVar:

NM_003640.5(ELP1):c.154A>G (p.Lys52Glu)

Gene: ELP1 (elongator acetyltransferase complex subunit 1; minus strand). Cytogenetic location: 9q31.3.
Variant type: single nucleotide variant.
Coding change: c.154A>G on transcript NM_003640.5 (MANE Select); coding-DNA position 154, A replaced by G.
Protein change: p.Lys52Glu; replaces lysine 52 with glutamic acid.
Molecular consequence: missense variant. On other transcripts: 5 prime UTR variant (2).
Genome position (GRCh38, 1-based): chr9:108,929,918, T>C on the plus strand (A>G on the coding strand, the complement: ELP1 is on the minus strand). VCF-style: chr9-108929918-T-C. GRCh37 (hg19) VCF-style: chr9-111692198-T-C.
Other names: c.154A>G (LRG_251t1); c.-189A>G (NM_001318360.2); c.-706A>G (NM_001330749.2); short protein forms K52E.
Identifiers: ClinVar variation 455955 (VCV000455955.11), dbSNP rs143494120, ClinGen allele CA5175441.

ClinVar aggregate classification (germline): Uncertain significance. Review status: criteria provided, multiple submitters, no conflicts (2 of 4 stars). 3 submissions from 3 submitters: Uncertain significance (2). 1 of the submissions does not count toward it. Last evaluated 2025-04-02.

Conditions:
Familial dysautonomia. Also called: FD; HSAN III. Identifiers: Orphanet 1764, MedGen C0013364, MONDO:0009131, OMIM 223900. Disease mechanism: loss of function.

Allele frequency attached by ClinVar (database versions not stated): gnomAD 0.00003 and 0.00004; gnomAD exomes 0.00005 and 0.00010; TOPMed 0.00005; ESP Exome Variant Server 0.00008; ExAC 0.00017.
gnomAD v4.1: 76 of 1,613,454 alleles (0.0047%); highest among the groups gnomAD compares: Non-Finnish European, 0.006%; no homozygotes.

Submissions (3):

Labcorp Genetics (formerly Invitae), Labcorp
Classification: Uncertain significance. Last evaluated: 2025-04-02. Review status: criteria provided, single submitter. Criteria: Invitae Variant Classification Sherloc (09022015). Collection method: clinical testing. Allele origin: germline.
Comment: This sequence change replaces lysine, which is basic and polar, with glutamic acid, which is acidic and polar, at codon 52 of the ELP1 protein (p.Lys52Glu). This variant is present in population databases (rs143494120, gnomAD 0.02%). This variant has not been reported in the literature in individuals affected with ELP1-related conditions. ClinVar contains an entry for this variant (Variation ID: 455955). Invitae Evidence Modeling of protein sequence and biophysical properties (such as structural, functional, and spatial information, amino acid conservation, physicochemical variation, residue mobility, and thermodynamic stability) indicates that this missense variant is not expected to disrupt ELP1 protein function with a negative predictive value of 80%. In summary, the available evidence is currently insufficient to determine the role of this variant in disease. Therefore, it has been classified as a Variant of Uncertain Significance.

Ambry Genetics
Classification: Uncertain significance. Last evaluated: 2024-12-09. Review status: criteria provided, single submitter. Criteria: Ambry Variant Classification Scheme 2023. Collection method: clinical testing. Allele origin: germline.
Comment: The p.K52E variant (also known as c.154A>G), located in coding exon 2 of the IKBKAP gene, results from an A to G substitution at nucleotide position 154. The lysine at codon 52 is replaced by glutamic acid, an amino acid with similar properties. This amino acid position is not well conserved in available vertebrate species. In addition, this alteration is predicted to be tolerated by in silico analysis. Since supporting evidence is limited at this time, the clinical significance of this alteration remains unclear.

Natera, Inc.
Classification: Uncertain significance for Familial dysautonomia. Last evaluated: 2020-07-09. Review status: no assertion criteria provided. Collection method: clinical testing. Allele origin: germline. Not counted in ClinVar's aggregate classification.